The following is an entry in ClinVar:

NM_001130144.3(LTBP3):c.1905C>T (p.Thr635=)

Genes: LTBP3 (latent transforming growth factor beta binding protein 3; minus strand), LOC130006032 (ATAC-STARR-seq lymphoblastoid silent region 3535; plus strand). Cytogenetic location: 11q13.1.
Variant type: single nucleotide variant.
Coding change: c.1905C>T on transcript NM_001130144.3 (MANE Select); coding-DNA position 1905, C replaced by T.
Protein change: p.Thr635=; no amino-acid change (threonine 635 retained).
Molecular consequence: synonymous variant.
Genome position (GRCh38, 1-based): chr11:65,547,763, G>A on the plus strand (C>T on the coding strand, the complement: LTBP3 is on the minus strand). VCF-style: chr11-65547763-G-A. GRCh37 (hg19) VCF-style: chr11-65315234-G-A.
Other names: c.1554C>T, p.Thr518= (NM_001164266.1); c.1905C>T, p.Thr635= (NM_021070.4).
Identifiers: ClinVar variation 774121 (VCV000774121.12), dbSNP rs750311222, ClinGen allele CA6100801.

ClinVar aggregate classification (germline): Likely benign. Review status: criteria provided, multiple submitters, no conflicts (2 of 4 stars). 3 submissions from 3 submitters: Likely benign (3). Last evaluated 2026-05-01.

Conditions:
Inborn genetic diseases. Identifiers: MedGen C0950123, MeSH D030342.
Brachyolmia-amelogenesis imperfecta syndrome. Also called: PLATYSPONDYLY WITH AMELOGENESIS IMPERFECTA; Tooth agenesis, selective, 6; Dental anomalies and short stature. Identifiers: Orphanet 2899, MedGen C1832594, MONDO:0011018, OMIM 601216. Disease mechanism: loss of function.

Allele frequency attached by ClinVar (database versions not stated): gnomAD 0.00001; TOPMed 0.00001; ExAC 0.00008; gnomAD exomes 0.00008.
gnomAD v4.1: 24 of 1,611,330 alleles (0.0015%); highest among the groups gnomAD compares: Admixed American, 0.037%; no homozygotes.

Submissions (3):

CeGaT Center for Human Genetics Tuebingen
Classification: Likely benign. Last evaluated: 2026-05-01. Review status: criteria provided, single submitter. Criteria: CeGaT Center For Human Genetics Tuebingen Variant Classification Criteria Version 2. Collection method: clinical testing. Allele origin: germline. Affected: yes. Observed: 1 variant allele.
Comment: LTBP3: BP4, BP7

Labcorp Genetics (formerly Invitae), Labcorp
Classification: Likely benign for Brachyolmia-amelogenesis imperfecta syndrome. Last evaluated: 2025-06-10. Review status: criteria provided, single submitter. Criteria: Invitae Variant Classification Sherloc (09022015). Collection method: clinical testing. Allele origin: germline.

Ambry Genetics
Classification: Likely benign for Inborn genetic diseases. Last evaluated: 2021-05-19. Review status: criteria provided, single submitter. Criteria: Ambry Variant Classification Scheme 2023. Collection method: clinical testing. Allele origin: germline.